The following is an entry in ClinVar:

ClinVar aggregate classification (germline): Pathogenic (1 of 4 stars; one submission).

Conditions:
Duchenne muscular dystrophy (DMD). Also called: MUSCULAR DYSTROPHY, PSEUDOHYPERTROPHIC PROGRESSIVE, DUCHENNE TYPE; Duchenne Muscular Dystrophy (DMD). Identifiers: Orphanet 98896, MedGen C0013264, MONDO:0010679, OMIM 310200.

Submission:

Labcorp Genetics (formerly Invitae), Labcorp
Classification: Pathogenic for Duchenne muscular dystrophy. Last evaluated: 2023-05-10. Review status: criteria provided, single submitter. Criteria: Invitae Variant Classification Sherloc (09022015). Collection method: clinical testing. Allele origin: unknown.
Comment: For these reasons, this variant has been classified as Pathogenic. This variant has not been reported in the literature in individuals affected with DMD-related conditions. This variant is a gross deletion of the genomic region encompassing exon(s) 18-50 of the DMD gene. This deletion is out-of-frame, and is expected to create a premature termination codon and result in an absent or disrupted protein product. Loss-of-function variants in DMD are known to be pathogenic (PMID: 16770791, 25007885).

Literature cited by the submitters: PubMed 16770791; PubMed 25007885.

NC_000023.10:g.(?_31838072)_(32536268_?)del

Gene: DMD (dystrophin; minus strand). Cytogenetic location: Xp21.1.
Variant type: Deletion.
Identifiers: ClinVar variation 3245460 (VCV003245460.1).